The following is an entry in ClinVar:

ClinVar aggregate classification (germline): Uncertain significance. Review status: criteria provided, multiple submitters, no conflicts (2 of 4 stars). 2 submissions from 2 submitters: Uncertain significance (2). Last evaluated 2023-06-16.

Conditions:
Inborn genetic diseases. Identifiers: MedGen C0950123, MeSH D030342.

Allele frequency attached by ClinVar (database versions not stated): gnomAD 0.00001; ExAC 0.00002; ESP Exome Variant Server 0.00008; gnomAD exomes 0.00001; TOPMed 0.00001.
gnomAD v4.1: 16 of 1,614,100 alleles (0.00099%); highest among the groups gnomAD compares: African/African-American, 0.0013%; no homozygotes.

Submissions (2):

Ambry Genetics
Classification: Uncertain significance for Inborn genetic diseases. Last evaluated: 2023-06-16. Review status: criteria provided, single submitter. Criteria: Ambry Variant Classification Scheme 2023. Collection method: clinical testing. Allele origin: germline.

Labcorp Genetics (formerly Invitae), Labcorp
Classification: Uncertain significance. Last evaluated: 2022-10-13. Review status: criteria provided, single submitter. Criteria: Invitae Variant Classification Sherloc (09022015). Collection method: clinical testing. Allele origin: germline.
Comment: This sequence change replaces glycine, which is neutral and non-polar, with glutamic acid, which is acidic and polar, at codon 2244 of the GPR179 protein (p.Gly2244Glu). This variant is present in population databases (rs377076624, gnomAD 0.003%). This variant has not been reported in the literature in individuals affected with GPR179-related conditions. ClinVar contains an entry for this variant (Variation ID: 1358203). Algorithms developed to predict the effect of missense changes on protein structure and function (SIFT, PolyPhen-2, Align-GVGD) all suggest that this variant is likely to be tolerated. In summary, the available evidence is currently insufficient to determine the role of this variant in disease. Therefore, it has been classified as a Variant of Uncertain Significance.

NM_001004334.4(GPR179):c.6731G>A (p.Gly2244Glu)

Gene: GPR179 (G protein-coupled receptor 179; minus strand). Cytogenetic location: 17q12.
Variant type: single nucleotide variant.
Coding change: c.6731G>A on transcript NM_001004334.4 (MANE Select); coding-DNA position 6731, G replaced by A.
Protein change: p.Gly2244Glu; replaces glycine 2244 with glutamic acid.
Molecular consequence: missense variant.
Genome position (GRCh38, 1-based): chr17:38,326,838, C>T on the plus strand (G>A on the coding strand, the complement: GPR179 is on the minus strand). VCF-style: chr17-38326838-C-T. GRCh37 (hg19) VCF-style: chr17-36482721-C-T.
Other names: c.6731G>A (NM_001004334.2); short protein forms G2244E.
Identifiers: ClinVar variation 1358203 (VCV001358203.6), dbSNP rs377076624, ClinGen allele CA290102830.
Genomic context (GRCh38, chr17:38,326,838, plus strand): 5'-CTCCGAGTTGCTGTTAAAGCCAGGAGGCCAGATTCCTCAGATGGGACTCCAGTTTCCTCC[C>T]CAGGACAGATGTCTGCCATGGTACCCTTTATTTTATTTCCTTCTGGATCTGTGATTTCCC-3'
Protein context (NP_001004334.3, residues 2234-2254): IKGTMADICP[Gly2244Glu]EETGVPSEES